The following is an entry in ClinVar:

NM_000875.5(IGF1R):c.3187-3C>T

Gene: IGF1R (insulin like growth factor 1 receptor; plus strand). Cytogenetic location: 15q26.3.
Variant type: single nucleotide variant.
Coding change: c.3187-3C>T on transcript NM_000875.5 (MANE Select); 3 bases into the intron before coding-DNA position 3187, C replaced by T.
Molecular consequence: intron variant.
Genome position (GRCh38, 1-based): chr15:98,935,313, C>T. VCF-style: chr15-98935313-C-T. GRCh37 (hg19) VCF-style: chr15-99478542-C-T.
Other names: c.3184-3C>T (NM_001291858.2).
Identifiers: ClinVar variation 1985977 (VCV001985977.4), dbSNP rs762807036, ClinGen allele CA7752638.

ClinVar aggregate classification (germline): Uncertain significance (1 of 4 stars; one submission).

Allele frequency attached by ClinVar (database versions not stated): gnomAD 0.00001; gnomAD exomes 0.00003; ExAC 0.00014.
gnomAD v4.1: 50 of 1,539,816 alleles (0.0032%); highest among the groups gnomAD compares: South Asian, 0.056%; no homozygotes.

Submission:

Labcorp Genetics (formerly Invitae), Labcorp
Classification: Uncertain significance. Last evaluated: 2025-10-08. Review status: criteria provided, single submitter. Criteria: Invitae Variant Classification Sherloc (09022015). Collection method: clinical testing. Allele origin: germline.
Comment: This sequence change falls in intron 16 of the IGF1R gene. It does not directly change the encoded amino acid sequence of the IGF1R protein. It affects a nucleotide within the consensus splice site. This variant is present in population databases (rs762807036, gnomAD 0.07%). This variant has not been reported in the literature in individuals affected with IGF1R-related conditions. ClinVar contains an entry for this variant (Variation ID: 1985977). Variants that disrupt the consensus splice site are a relatively common cause of aberrant splicing (PMID: 17576681, 9536098). Algorithms developed to predict the effect of sequence changes on RNA splicing suggest that this variant is not likely to affect RNA splicing. In summary, the available evidence is currently insufficient to determine the role of this variant in disease. Therefore, it has been classified as a Variant of Uncertain Significance.

Literature cited by the submitters: PubMed 17576681; PubMed 9536098.